The following is an entry in ClinVar:

ClinVar aggregate classification (germline): Uncertain significance (1 of 4 stars; one submission).

Allele frequency attached by ClinVar (database versions not stated): gnomAD 0.00001; gnomAD exomes 0.00001 and 0.00003; TOPMed 0.00001; ExAC 0.00005; ESP Exome Variant Server 0.00008.
gnomAD v4.1: 20 of 1,551,922 alleles (0.0013%); highest among the groups gnomAD compares: East Asian, 0.0024%; no homozygotes.

Submission:

Labcorp Genetics (formerly Invitae), Labcorp
Classification: Uncertain significance. Last evaluated: 2021-08-09. Review status: criteria provided, single submitter. Criteria: Invitae Variant Classification Sherloc (09022015). Collection method: clinical testing. Allele origin: germline.
Comment: This sequence change replaces isoleucine with threonine at codon 478 of the DHX38 protein (p.Ile478Thr). The isoleucine residue is highly conserved and there is a moderate physicochemical difference between isoleucine and threonine. This variant is present in population databases (rs139756717, ExAC 0.04%). This variant has not been reported in the literature in individuals affected with DHX38-related conditions. Algorithms developed to predict the effect of missense changes on protein structure and function (SIFT, PolyPhen-2, Align-GVGD) all suggest that this variant is likely to be disruptive. In summary, the available evidence is currently insufficient to determine the role of this variant in disease. Therefore, it has been classified as a Variant of Uncertain Significance.

NM_014003.4(DHX38):c.1433T>C (p.Ile478Thr)

Gene: DHX38 (DEAH-box helicase 38; plus strand). Cytogenetic location: 16q22.2.
Variant type: single nucleotide variant.
Coding change: c.1433T>C on transcript NM_014003.4 (MANE Select); coding-DNA position 1433, T replaced by C.
Protein change: p.Ile478Thr; replaces isoleucine 478 with threonine.
Molecular consequence: missense variant.
Genome position (GRCh38, 1-based): chr16:72,101,546, T>C. VCF-style: chr16-72101546-T-C. GRCh37 (hg19) VCF-style: chr16-72135445-T-C.
Other names: short protein forms I478T.
Identifiers: ClinVar variation 1513935 (VCV001513935.3), dbSNP rs139756717, ClinGen allele CA8160317.
Genomic context (GRCh38, chr16:72,101,546, plus strand): 5'-TTTTTCCTTTTCAGGCTCAGCACAAACACTGGGAACTGGCGGGGACCAAACTGGGAGATA[T>C]AATGGGCGTCAAGAAGGAGGAAGAGCCAGATAAAGCTGTGACGGAGGATGGGAAGGTGGA-3'
Protein context (NP_054722.2, residues 468-488): WELAGTKLGD[Ile478Thr]MGVKKEEEPD